The following is an entry in ClinVar:

ClinVar aggregate classification (germline): Likely pathogenic (1 of 4 stars; one submission).

Submission:

GeneDx
Classification: Likely pathogenic. Last evaluated: 2019-11-12. Review status: criteria provided, single submitter. Criteria: GeneDx Variant Classification Process June 2021. Collection method: clinical testing. Allele origin: germline. Affected: yes.
Comment: Located in a region intolerant to change [Gly within triple helical region]; Not observed in large population cohorts (Lek et al., 2016); In silico analysis, which includes protein predictors and evolutionary conservation, supports a deleterious effect; Has not been previously published as pathogenic or benign to our knowledge

NM_000090.4(COL3A1):c.3077G>T (p.Gly1026Val)

Gene: COL3A1 (collagen type III alpha 1 chain; plus strand). Cytogenetic location: 2q32.2.
Variant type: single nucleotide variant.
Coding change: c.3077G>T on transcript NM_000090.4 (MANE Select); coding-DNA position 3077, G replaced by T.
Protein change: p.Gly1026Val; replaces glycine 1026 with valine.
Molecular consequence: missense variant.
Genome position (GRCh38, 1-based): chr2:189,006,243, G>T. VCF-style: chr2-189006243-G-T. GRCh37 (hg19) VCF-style: chr2-189870969-G-T.
Other names: short protein forms G1026V.
Identifiers: ClinVar variation 451054 (VCV000451054.3), dbSNP rs1553509404, ClinGen allele CA349844964.